The following is an entry in ClinVar:

ClinVar aggregate classification (germline): Uncertain significance. Review status: criteria provided, multiple submitters, no conflicts (2 of 4 stars). 2 submissions from 2 submitters: Uncertain significance (2). Last evaluated 2024-07-02.

Conditions:
Inborn genetic diseases. Identifiers: MedGen C0950123, MeSH D030342.

Allele frequency attached by ClinVar (database versions not stated): gnomAD 0.00001; 1000 Genomes Project 30x 0.00016.

Submissions (2):

Ambry Genetics
Classification: Uncertain significance for Inborn genetic diseases. Last evaluated: 2024-07-02. Review status: criteria provided, single submitter. Criteria: Ambry Variant Classification Scheme 2023. Collection method: clinical testing. Allele origin: germline.

Labcorp Genetics (formerly Invitae), Labcorp
Classification: Uncertain significance. Last evaluated: 2022-04-09. Review status: criteria provided, single submitter. Criteria: Invitae Variant Classification Sherloc (09022015). Collection method: clinical testing. Allele origin: germline.
Comment: This sequence change replaces arginine, which is basic and polar, with histidine, which is basic and polar, at codon 62 of the PAX1 protein (p.Arg62His). This variant is present in population databases (rs777916923, gnomAD 0.05%). This variant has not been reported in the literature in individuals affected with PAX1-related conditions. Algorithms developed to predict the effect of missense changes on protein structure and function (SIFT, PolyPhen-2, Align-GVGD) all suggest that this variant is likely to be tolerated. In summary, the available evidence is currently insufficient to determine the role of this variant in disease. Therefore, it has been classified as a Variant of Uncertain Significance.

NM_001257096.2(PAX1):c.185G>A (p.Arg62His)

Gene: PAX1 (paired box 1; plus strand). Cytogenetic location: 20p11.22.
Variant type: single nucleotide variant.
Coding change: c.185G>A on transcript NM_001257096.2 (MANE Select); coding-DNA position 185, G replaced by A.
Protein change: p.Arg62His; replaces arginine 62 with histidine.
Molecular consequence: missense variant.
Genome position (GRCh38, 1-based): chr20:21,705,897, G>A. VCF-style: chr20-21705897-G-A. GRCh37 (hg19) VCF-style: chr20-21686535-G-A.
Other names: c.185G>A (NM_006192.3); c.185G>A, p.Arg62His (NM_006192.5); short protein forms R62H.
Identifiers: ClinVar variation 1394670 (VCV001394670.6), dbSNP rs777916923, ClinGen allele CA9786395.